The following is an entry in ClinVar:

ClinVar aggregate classification (germline): Uncertain significance (1 of 4 stars; one submission).

Submission:

Labcorp Genetics (formerly Invitae), Labcorp
Classification: Uncertain significance. Last evaluated: 2021-10-03. Review status: criteria provided, single submitter. Criteria: Invitae Variant Classification Sherloc (09022015). Collection method: clinical testing. Allele origin: germline.
Comment: This sequence change replaces leucine with phenylalanine at codon 54 of the ANXA11 protein (p.Leu54Phe). The leucine residue is weakly conserved and there is a small physicochemical difference between leucine and phenylalanine. This variant is not present in population databases (ExAC no frequency). In summary, the available evidence is currently insufficient to determine the role of this variant in disease. Therefore, it has been classified as a Variant of Uncertain Significance. Algorithms developed to predict the effect of missense changes on protein structure and function are either unavailable or do not agree on the potential impact of this missense change (SIFT: "Tolerated"; PolyPhen-2: "Not Available"; Align-GVGD: "Class C0"). This variant has not been reported in the literature in individuals affected with ANXA11-related conditions.

NM_145868.2(ANXA11):c.160C>T (p.Leu54Phe)

Gene: ANXA11 (annexin A11; minus strand). Cytogenetic location: 10q22.3.
Variant type: single nucleotide variant.
Coding change: c.160C>T on transcript NM_145868.2 (MANE Select); coding-DNA position 160, C replaced by T.
Protein change: p.Leu54Phe; replaces leucine 54 with phenylalanine.
Molecular consequence: missense variant.
Genome position (GRCh38, 1-based): chr10:80,170,811, G>A on the plus strand (C>T on the coding strand, the complement: ANXA11 is on the minus strand). VCF-style: chr10-80170811-G-A. GRCh37 (hg19) VCF-style: chr10-81930567-G-A.
Other names: c.160C>T, p.Leu54Phe (NM_001157.3, NM_001278407.2, NM_001278408.2 and 1 more transcripts); c.61C>T, p.Leu21Phe (NM_001278409.2); short protein forms L54F, L21F.
Identifiers: ClinVar variation 1520905 (VCV001520905.6), dbSNP rs1392106105, ClinGen allele CA377368732.